The following is an entry in ClinVar:

ClinVar aggregate classification (germline): Likely pathogenic (1 of 4 stars; one submission).

Conditions:
Nephronophthisis. Also called: Juvenile Nephronophthisis. Identifiers: Orphanet 655, MedGen C0687120, MONDO:0019005, HP:0000090.

Submission:

Labcorp Genetics (formerly Invitae), Labcorp
Classification: Likely pathogenic for Nephronophthisis. Last evaluated: 2023-08-28. Review status: criteria provided, single submitter. Criteria: Invitae Variant Classification Sherloc (09022015). Collection method: clinical testing. Allele origin: unknown.
Comment: In summary, the currently available evidence indicates that the variant is pathogenic, but additional data are needed to prove that conclusively. Therefore, this variant has been classified as Likely Pathogenic. Experimental studies and prediction algorithms are not available or were not evaluated, and the functional significance of this variant is currently unknown. This variant results in a copy number gain of the genomic region encompassing exon(s) 12-13 of the NPHP4 gene. While the exact position of this variant cannot be determined from the data, sub-genic copy number gains are generally in tandem (PMID: 25640679). This variant is predicted to be out-of-frame, and may result in an absent or disrupted protein product. Loss-of-function variants in NPHP4 are known to be pathogenic (PMID: 12205563, 23559409). This variant has not been reported in the literature in individuals affected with NPHP4-related conditions.

Literature cited by the submitters: PubMed 25640679; PubMed 12205563; PubMed 23559409.

NC_000001.10:g.(?_5967155)_(5969293_?)dup

Gene: NPHP4 (nephrocystin 4; minus strand). Cytogenetic location: 1p36.31.
Variant type: Duplication.
Identifiers: ClinVar variation 3247696 (VCV003247696.1).